The following is an entry in ClinVar:

ClinVar aggregate classification (germline): Uncertain significance (1 of 4 stars; one submission).

Conditions:
Werner syndrome (WRN). Identifiers: Orphanet 902, MedGen C0043119, MONDO:0010196, OMIM 277700.

Submission:

Labcorp Genetics (formerly Invitae), Labcorp
Classification: Uncertain significance for Werner syndrome. Last evaluated: 2023-11-10. Review status: criteria provided, single submitter. Criteria: Invitae Variant Classification Sherloc (09022015). Collection method: clinical testing. Allele origin: germline.
Comment: This sequence change replaces proline, which is neutral and non-polar, with leucine, which is neutral and non-polar, at codon 752 of the WRN protein (p.Pro752Leu). This variant is not present in population databases (gnomAD no frequency). This variant has not been reported in the literature in individuals affected with WRN-related conditions. An algorithm developed to predict the effect of missense changes on protein structure and function (PolyPhen-2) suggests that this variant is likely to be tolerated. In summary, the available evidence is currently insufficient to determine the role of this variant in disease. Therefore, it has been classified as a Variant of Uncertain Significance.

NM_000553.6(WRN):c.2255C>T (p.Pro752Leu)

Gene: WRN (WRN RecQ like helicase; plus strand). Cytogenetic location: 8p12.
Variant type: single nucleotide variant.
Coding change: c.2255C>T on transcript NM_000553.6 (MANE Select); coding-DNA position 2255, C replaced by T.
Protein change: p.Pro752Leu; replaces proline 752 with leucine.
Molecular consequence: missense variant.
Genome position (GRCh38, 1-based): chr8:31,111,781, C>T. VCF-style: chr8-31111781-C-T. GRCh37 (hg19) VCF-style: chr8-30969297-C-T.
Other names: short protein forms P752L.
Identifiers: ClinVar variation 2854386 (VCV002854386.3), dbSNP rs2535969435, ClinGen allele CA370912903.
Genomic context (GRCh38, chr8:31,111,781, plus strand): 5'-GACCAAACCTGTATTTAGAAGTTAGGCGAAAAACAGGGAATATCCTTCAGGATCTGCAGC[C>T]ATTTCTTGTCAAAACAAGGTAAGGATTTAATGGTTGATGAATTTTGGTAATGATTTCCTT-3'
Protein context (NP_000544.2, residues 742-762): KTGNILQDLQ[Pro752Leu]FLVKTSSHWE